The following is an entry in ClinVar:

NM_201596.3(CACNB2):c.1897C>T (p.Arg633Cys)

Gene: CACNB2 (calcium voltage-gated channel auxiliary subunit beta 2; plus strand). Cytogenetic location: 10p12.31.
Variant type: single nucleotide variant.
Coding change: c.1897C>T on transcript NM_201596.3 (MANE Select); coding-DNA position 1897, C replaced by T.
Protein change: p.Arg633Cys; replaces arginine 633 with cysteine.
Molecular consequence: missense variant.
Genome position (GRCh38, 1-based): chr10:18,539,638, C>T. VCF-style: chr10-18539638-C-T. GRCh37 (hg19) VCF-style: chr10-18828567-C-T.
Other names: c.1732C>T, p.Arg578Cys (NM_000724.4); c.1699C>T, p.Arg567Cys (NM_001167945.2); c.1618C>T, p.Arg540Cys (NM_001330060.2); c.1753C>T, p.Arg585Cys (NM_201570.3); c.1813C>T, p.Arg605Cys (NM_201571.4); c.1741C>T, p.Arg581Cys (NM_201572.4); c.1735C>T, p.Arg579Cys (NM_201590.3); c.1783C>T, p.Arg595Cys (NM_201593.3); and 1 more; short protein forms R605C, R609C, R540C, R579C, R581C, R595C, R633C, R567C.
Identifiers: ClinVar variation 1488031 (VCV001488031.6), dbSNP rs746092806, ClinGen allele CA5430199.

ClinVar aggregate classification (germline): Uncertain significance (1 of 4 stars; one submission).

Conditions:
Brugada syndrome 4 (BRGDA4). Identifiers: Orphanet 130, MedGen C2678477, MONDO:0012743, OMIM 611876.

Submission:

Labcorp Genetics (formerly Invitae), Labcorp
Classification: Uncertain significance for Brugada syndrome 4. Last evaluated: 2021-07-19. Review status: criteria provided, single submitter. Criteria: Invitae Variant Classification Sherloc (09022015). Collection method: clinical testing. Allele origin: germline.
Comment: In summary, the available evidence is currently insufficient to determine the role of this variant in disease. Therefore, it has been classified as a Variant of Uncertain Significance. Algorithms developed to predict the effect of missense changes on protein structure and function are either unavailable or do not agree on the potential impact of this missense change (SIFT: "Deleterious"; PolyPhen-2: "Possibly Damaging"; Align-GVGD: "Class C0"). This variant has not been reported in the literature in individuals affected with CACNB2-related conditions. This variant is present in population databases (rs746092806, ExAC 0.02%). This sequence change replaces arginine with cysteine at codon 579 of the CACNB2 protein (p.Arg579Cys). The arginine residue is highly conserved and there is a large physicochemical difference between arginine and cysteine.